The following is an entry in ClinVar:

NM_001201543.2(FAM161A):c.2055T>A (p.Asn685Lys)

Gene: FAM161A (FAM161 centrosomal protein A; minus strand). Cytogenetic location: 2p15.
Variant type: single nucleotide variant.
Coding change: c.2055T>A on transcript NM_001201543.2 (MANE Select); coding-DNA position 2055, T replaced by A.
Protein change: p.Asn685Lys; replaces asparagine 685 with lysine.
Molecular consequence: missense variant. On other transcripts: non-coding transcript variant (1).
Genome position (GRCh38, 1-based): chr2:61,826,551, A>T on the plus strand (T>A on the coding strand, the complement: FAM161A is on the minus strand). VCF-style: chr2-61826551-A-T. GRCh37 (hg19) VCF-style: chr2-62053686-A-T.
Other names: c.1887T>A, p.Asn629Lys (NM_032180.3); short protein forms N685K, N629K.
Identifiers: ClinVar variation 1934142 (VCV001934142.2), dbSNP rs779902438, ClinGen allele CA1678951.
Genomic context (GRCh38, chr2:61,826,551, plus strand): 5'-TTCCTCATTGGCTTCATCTTTTTCCTTGTAAGAATCCTGGCTGTTGGTATCAATAAAATA[A>T]TTTTCTTCCCCATTCTCTCTTTCTTCTATTTTTTCTTCTTCATTAAAGCTAGGGGAAGAA-3'
Protein context (NP_001188472.1, residues 675-695): KIEERENGEE[Asn685Lys]YFIDTNSQDS

ClinVar aggregate classification (germline): Uncertain significance (1 of 4 stars; one submission).

Allele frequency attached by ClinVar (database versions not stated): gnomAD exomes 0.00001; TOPMed 0.00001; ExAC 0.00001.
gnomAD v4.1: 21 of 1,601,010 alleles (0.0013%); highest among the groups gnomAD compares: Non-Finnish European, 0.0017%; no homozygotes.

Submission:

Labcorp Genetics (formerly Invitae), Labcorp
Classification: Uncertain significance. Last evaluated: 2022-10-24. Review status: criteria provided, single submitter. Criteria: Invitae Variant Classification Sherloc (09022015). Collection method: clinical testing. Allele origin: germline.
Comment: This sequence change replaces asparagine, which is neutral and polar, with lysine, which is basic and polar, at codon 685 of the FAM161A protein (p.Asn685Lys). This variant is present in population databases (rs779902438, gnomAD 0.002%). This variant has not been reported in the literature in individuals affected with FAM161A-related conditions. Algorithms developed to predict the effect of missense changes on protein structure and function (SIFT, PolyPhen-2, Align-GVGD) all suggest that this variant is likely to be tolerated. In summary, the available evidence is currently insufficient to determine the role of this variant in disease. Therefore, it has been classified as a Variant of Uncertain Significance.